The following is an entry in ClinVar:

ClinVar aggregate classification (germline): Uncertain significance (1 of 4 stars; one submission).

Conditions:
Rhabdoid tumor predisposition syndrome 2 (RTPS2). Identifiers: Orphanet 231108, Orphanet 69077, MedGen C2750074, MONDO:0013224, OMIM 613325.

Submission:

Labcorp Genetics (formerly Invitae), Labcorp
Classification: Uncertain significance for Rhabdoid tumor predisposition syndrome 2. Last evaluated: 2022-04-03. Review status: criteria provided, single submitter. Criteria: Invitae Variant Classification Sherloc (09022015). Collection method: clinical testing. Allele origin: germline.
Comment: In summary, the available evidence is currently insufficient to determine the role of this variant in disease. Therefore, it has been classified as a Variant of Uncertain Significance. Algorithms developed to predict the effect of missense changes on protein structure and function are either unavailable or do not agree on the potential impact of this missense change (SIFT: "Deleterious"; PolyPhen-2: "Benign"; Align-GVGD: "Class C15"). This variant has not been reported in the literature in individuals affected with SMARCA4-related conditions. This variant is not present in population databases (gnomAD no frequency). This sequence change replaces serine, which is neutral and polar, with tyrosine, which is neutral and polar, at codon 140 of the SMARCA4 protein (p.Ser140Tyr).

NM_003072.5(SMARCA4):c.419C>A (p.Ser140Tyr)

Gene: SMARCA4 (SWI/SNF related BAF chromatin remodeling complex subunit ATPase 4; plus strand). Cytogenetic location: 19p13.2.
Variant type: single nucleotide variant.
Coding change: c.419C>A on transcript NM_003072.5 (MANE Select); coding-DNA position 419, C replaced by A.
Protein change: p.Ser140Tyr; replaces serine 140 with tyrosine.
Molecular consequence: missense variant. On other transcripts: non-coding transcript variant (1).
Genome position (GRCh38, 1-based): chr19:10,986,252, C>A. VCF-style: chr19-10986252-C-A. GRCh37 (hg19) VCF-style: chr19-11096928-C-A.
Other names: c.419C>A, p.Ser140Tyr (NM_001128844.3, NM_001128845.2, NM_001128846.2 and 6 more transcripts); short protein forms S140Y.
Identifiers: ClinVar variation 2120992 (VCV002120992.4), dbSNP rs2145773356, ClinGen allele CA404055888.